The following is an entry in ClinVar:

NM_005045.4(RELN):c.8083A>C (p.Ile2695Leu)

Gene: RELN (reelin; minus strand). Cytogenetic location: 7q22.1.
Variant type: single nucleotide variant.
Coding change: c.8083A>C on transcript NM_005045.4 (MANE Select); coding-DNA position 8083, A replaced by C.
Protein change: p.Ile2695Leu; replaces isoleucine 2695 with leucine.
Molecular consequence: missense variant.
Genome position (GRCh38, 1-based): chr7:103,515,221, T>G on the plus strand (A>C on the coding strand, the complement: RELN is on the minus strand). VCF-style: chr7-103515221-T-G. GRCh37 (hg19) VCF-style: chr7-103155668-T-G.
Other names: c.8083A>C, p.Ile2695Leu (NM_173054.3); short protein forms I2695L.
Identifiers: ClinVar variation 857359 (VCV000857359.9), dbSNP rs1829531529, ClinGen allele CA368762718.

ClinVar aggregate classification (germline): Uncertain significance (1 of 4 stars; one submission).

Conditions:
Familial temporal lobe epilepsy 7. Identifiers: Orphanet 101046, MedGen C4225327, MONDO:0014639, OMIM 616436.
Norman-Roberts syndrome (LIS2). Also called: Lissencephaly 2 (Norman-Roberts type). Identifiers: Orphanet 89844, MedGen C0796089, MONDO:0009760, OMIM 257320.

Submission:

Labcorp Genetics (formerly Invitae), Labcorp
Classification: Uncertain significance for Familial temporal lobe epilepsy 7; Norman-Roberts syndrome. Last evaluated: 2024-06-17. Review status: criteria provided, single submitter. Criteria: Invitae Variant Classification Sherloc (09022015). Collection method: clinical testing. Allele origin: germline.
Comment: This sequence change replaces isoleucine, which is neutral and non-polar, with leucine, which is neutral and non-polar, at codon 2695 of the RELN protein (p.Ile2695Leu). This variant is not present in population databases (gnomAD no frequency). This variant has not been reported in the literature in individuals affected with RELN-related conditions. ClinVar contains an entry for this variant (Variation ID: 857359). Advanced modeling of protein sequence and biophysical properties (such as structural, functional, and spatial information, amino acid conservation, physicochemical variation, residue mobility, and thermodynamic stability) performed at Invitae indicates that this missense variant is not expected to disrupt RELN protein function with a negative predictive value of 80%. In summary, the available evidence is currently insufficient to determine the role of this variant in disease. Therefore, it has been classified as a Variant of Uncertain Significance.